The following is an entry in ClinVar:

NM_000887.5(ITGAX):c.1410C>T (p.Asp470=)

Gene: ITGAX (integrin subunit alpha X; plus strand). Cytogenetic location: 16p11.2.
Variant type: single nucleotide variant.
Coding change: c.1410C>T on transcript NM_000887.5 (MANE Select); coding-DNA position 1410, C replaced by T.
Protein change: p.Asp470=; no amino-acid change (aspartic acid 470 retained).
Molecular consequence: synonymous variant.
Genome position (GRCh38, 1-based): chr16:31,362,985, C>T. VCF-style: chr16-31362985-C-T. GRCh37 (hg19) VCF-style: chr16-31374306-C-T.
Other names: c.1410C>T, p.Asp470= (NM_001286375.2).
Identifiers: ClinVar variation 2646477 (VCV002646477.24), dbSNP rs147598964, ClinGen allele CA8026806.
Genomic context (GRCh38, chr16:31,362,985, plus strand): 5'-TGCCCTTCAGATCGGCTCCTACTTCGGGGCCTCCCTCTGCTCCGTGGACGTAGACAGCGA[C>T]GGCAGCACCGACCTGGTCCTCATCGGGGCCCCCCATTACTACGAGCAGACCCGAGGGGGC-3'
Protein context (NP_000878.2, residues 460-480): ASLCSVDVDS[Asp470=]GSTDLVLIGA

ClinVar aggregate classification (germline): Likely benign (1 of 4 stars; one submission).

Allele frequency attached by ClinVar (database versions not stated): 1000 Genomes Project 30x 0.00062; 1000 Genomes Project 0.00080; TOPMed 0.00117; gnomAD 0.00139; ESP Exome Variant Server 0.00162; ExAC 0.00195.
gnomAD v4.1: 2,631 of 1,611,572 alleles (0.16%); highest among the groups gnomAD compares: Middle Eastern, 0.2%; 5 homozygotes.

Submission:

CeGaT Center for Human Genetics Tuebingen
Classification: Likely benign. Last evaluated: 2022-08-01. Review status: criteria provided, single submitter. Criteria: CeGaT Center For Human Genetics Tuebingen Variant Classification Criteria Version 2. Collection method: clinical testing. Allele origin: germline. Affected: yes. Observed: 4 variant alleles.
Comment: ITGAX: BP4, BP7